The following is an entry in ClinVar:

ClinVar aggregate classification (germline): Pathogenic (1 of 4 stars; one submission).

Conditions:
Retinitis pigmentosa (RP). Identifiers: Orphanet 791, MedGen C0035334, MeSH D012174, MONDO:0019200, OMIM 268000. Inheritance: Autosomal dominant, autosomal recessive and X linked inheritance.

Submission:

Lab De Baere, Eye and Developmental Genetics Lab, Ghent University
Classification: Pathogenic for Retinitis pigmentosa. Last evaluated: 2024-10-01. Review status: criteria provided, single submitter. Criteria: ACMG Guidelines, 2015. Collection method: research. Allele origin: inherited. Affected: yes. Observed: 1 variant allele.
Comment: ACMG/AMP guidelines: PM2, PVS1, PP1

NM_001034853.2(RPGR):c.904del (p.Cys302fs)

Gene: RPGR (retinitis pigmentosa GTPase regulator; minus strand). Cytogenetic location: Xp11.4.
Variant type: Deletion.
Coding change: c.904del on transcript NM_001034853.2 (MANE Select); coding-DNA position 904, one base deleted (T; older notation c.904delT).
Protein change: p.Cys302fs; shifts the reading frame from cysteine 302.
Molecular consequence: frameshift variant. On other transcripts: non-coding transcript variant (5).
Genome position (GRCh38, 1-based): chrX:38,304,665, A deleted on the plus strand (T on the coding strand, the reverse complement: RPGR is on the minus strand); the first of 2 consecutive A bases (chrX:38,304,665-38,304,666); deleting either gives the same sequence. VCF-style (leftmost placement, unchanged base first): chrX-38304664-CA-C. GRCh37 (hg19) VCF-style: chrX-38163917-CA-C.
Other names: c.904del, p.Cys302fs (NM_000328.3, NM_001367246.1, NM_001367247.1 and 1 more transcripts); c.901del, p.Cys301fs (NM_001367245.1, NM_001367249.1, NM_001367250.1); c.934del, p.Cys312fs (NM_001367248.1); short protein forms C312fs, C301fs, C302fs.
Identifiers: ClinVar variation 3544448 (VCV003544448.1).
Genomic context (GRCh38, chrX:38,304,664, plus strand): 5'-ATAAATATATAACAGAAATTCTAATCCATACCTGTTATCAAAGCTGTGTGATTTTCTCCA[CA>C]AGAAATATAACTTATTGTTTGATCCCTAATATTCTCAATGACTTTGGGTTCTGAAGTTTC-3'